The following is an entry in ClinVar:

NM_002471.4(MYH6):c.1892G>C (p.Gly631Ala)

Gene: MYH6 (myosin heavy chain 6; minus strand). Cytogenetic location: 14q11.2.
Variant type: single nucleotide variant.
Coding change: c.1892G>C on transcript NM_002471.4 (MANE Select); coding-DNA position 1892, G replaced by C.
Protein change: p.Gly631Ala; replaces glycine 631 with alanine.
Molecular consequence: missense variant.
Genome position (GRCh38, 1-based): chr14:23,397,613, C>G on the plus strand (G>C on the coding strand, the complement: MYH6 is on the minus strand). VCF-style: chr14-23397613-C-G. GRCh37 (hg19) VCF-style: chr14-23866822-C-G.
Other names: short protein forms G631A.
Identifiers: ClinVar variation 3679007 (VCV003679007.2).

ClinVar aggregate classification (germline): Uncertain significance (1 of 4 stars; one submission).

Conditions:
Hypertrophic cardiomyopathy 14. Identifiers: MedGen C2750467, MONDO:0013197, OMIM 613251.

Submission:

Labcorp Genetics (formerly Invitae), Labcorp
Classification: Uncertain significance for Hypertrophic cardiomyopathy 14. Last evaluated: 2024-09-23. Review status: criteria provided, single submitter. Criteria: Invitae Variant Classification Sherloc (09022015). Collection method: clinical testing. Allele origin: germline.
Comment: This sequence change replaces glycine, which is neutral and non-polar, with alanine, which is neutral and non-polar, at codon 631 of the MYH6 protein (p.Gly631Ala). This variant is not present in population databases (gnomAD no frequency). This variant has not been reported in the literature in individuals affected with MYH6-related conditions. An algorithm developed to predict the effect of missense changes on protein structure and function outputs the following: PolyPhen-2: "Benign". The alanine amino acid residue is found in multiple mammalian species, which suggests that this missense change does not adversely affect protein function. Algorithms developed to predict the effect of sequence changes on RNA splicing suggest that this variant may disrupt the consensus splice site. In summary, the available evidence is currently insufficient to determine the role of this variant in disease. Therefore, it has been classified as a Variant of Uncertain Significance.